The following is an entry in ClinVar:

NM_000540.3(RYR1):c.10937+39G>A

Gene: RYR1 (ryanodine receptor 1; plus strand). Cytogenetic location: 19q13.2.
Variant type: single nucleotide variant.
Coding change: c.10937+39G>A on transcript NM_000540.3 (MANE Select); 39 bases into the intron after coding-DNA position 10937, G replaced by A.
Molecular consequence: intron variant.
Genome position (GRCh38, 1-based): chr19:38,528,457, G>A. VCF-style: chr19-38528457-G-A. GRCh37 (hg19) VCF-style: chr19-39019097-G-A.
Other names: c.10922+39G>A (NM_001042723.2).
Identifiers: ClinVar variation 133001 (VCV000133001.5), dbSNP rs2945049, ClinGen allele CA023871.
Genomic context (GRCh38, chr19:38,528,457, plus strand): 5'-CGCCCCTGTACAACCTGCCCACGTAAGGCCCCCAGGGACAAGGGAAGCGTGAAGGGCTGC[G>A]GAGAAAGGGTGGCTGGAGAGTCTGGAGAATGGAGGGCCAACGTGATGGGGCCTTGAGGGT-3'

ClinVar aggregate classification (germline): Benign/Likely benign. Review status: criteria provided, multiple submitters, no conflicts (2 of 4 stars). 4 submissions from 4 submitters: Benign (1); Likely benign (2). 1 of the submissions does not count toward it. Last evaluated 2018-06-19.

Allele frequency attached by ClinVar (database versions not stated): gnomAD exomes 0.00328 and 0.00871; ExAC 0.00990; gnomAD 0.03007 and 0.03213; 1000 Genomes Project 0.03275; TOPMed 0.03297; 1000 Genomes Project 30x 0.03373; ESP Exome Variant Server 0.03383.
gnomAD v4.1: 9,589 of 1,606,880 alleles (0.6%); highest among the groups gnomAD compares: African/African-American, 10%; 404 homozygotes.

Submissions (4):

GeneDx
Classification: Benign. Last evaluated: 2018-06-19. Review status: criteria provided, single submitter. Criteria: GeneDx Variant Classification (06012015). Collection method: clinical testing. Allele origin: germline. Affected: yes.
Comment: This variant is considered likely benign or benign based on one or more of the following criteria: it is a conservative change, it occurs at a poorly conserved position in the protein, it is predicted to be benign by multiple in silico algorithms, and/or has population frequency not consistent with disease.

Breakthrough Genomics
Classification: Likely benign. Review status: criteria provided, single submitter. Criteria: ACMG Guidelines, 2015. Collection method: not provided. Allele origin: germline. Inheritance: Autosomal recessive inheritance. Affected: yes.

PreventionGenetics, part of Exact Sciences
Classification: Likely benign. Review status: criteria provided, single submitter. Criteria: ACMG Guidelines, 2015. Collection method: clinical testing. Allele origin: germline.

RYR1 database
No classification provided. Review status: no classification provided. Collection method: not provided. Allele origin: unknown. Not counted in ClinVar's aggregate classification.